The following is an entry in ClinVar:

ClinVar aggregate classification (germline): Conflicting classifications of pathogenicity. Review status: criteria provided, conflicting classifications (1 of 4 stars). 3 submissions from 3 submitters: Uncertain significance (2); Likely benign (1). Last evaluated 2024-12-22.

Conditions:
Inborn genetic diseases. Identifiers: MedGen C0950123, MeSH D030342.
Congenital ocular coloboma. Also called: COLOBOMA OF IRIS, CHOROID, AND RETINA; COLOBOMA, UVEORETINAL; Coloboma of eye; Coloboma. Identifiers: Orphanet 194, MedGen C0009363, MONDO:0001476, HP:0000589.

gnomAD v4.1: 68 of 1,611,938 alleles (0.0042%); highest among the groups gnomAD compares: Non-Finnish European, 0.0053%; no homozygotes.

Submissions (3):

Ambry Genetics
Classification: Likely benign for Inborn genetic diseases. Last evaluated: 2024-12-22. Review status: criteria provided, single submitter. Criteria: Ambry Variant Classification Scheme 2023. Collection method: clinical testing. Allele origin: germline.

Labcorp Genetics (formerly Invitae), Labcorp
Classification: Uncertain significance. Last evaluated: 2024-05-31. Review status: criteria provided, single submitter. Criteria: Invitae Variant Classification Sherloc (09022015). Collection method: clinical testing. Allele origin: germline.
Comment: This sequence change replaces asparagine, which is neutral and polar, with serine, which is neutral and polar, at codon 386 of the KDM1A protein (p.Asn386Ser). This variant is present in population databases (rs766632876, gnomAD 0.006%). This variant has not been reported in the literature in individuals affected with KDM1A-related conditions. Advanced modeling of protein sequence and biophysical properties (such as structural, functional, and spatial information, amino acid conservation, physicochemical variation, residue mobility, and thermodynamic stability) performed at Invitae indicates that this missense variant is not expected to disrupt KDM1A protein function with a negative predictive value of 80%. In summary, the available evidence is currently insufficient to determine the role of this variant in disease. Therefore, it has been classified as a Variant of Uncertain Significance.

Cambridge Genomics Laboratory, East Genomic Laboratory Hub, NHS Genomic Medicine Service
Classification: Uncertain significance for Congenital ocular coloboma. Last evaluated: 2020-03-20. Review status: criteria provided, single submitter. Criteria: ACGS Best Practice Guidelines for Variant Classification in Rare Disease 2020. Collection method: clinical testing. Allele origin: germline. Affected: yes. Observed: 1 variant allele.

NM_001009999.3(KDM1A):c.1157A>G (p.Asn386Ser)

Gene: KDM1A (lysine demethylase 1A; plus strand). Cytogenetic location: 1p36.12.
Variant type: single nucleotide variant.
Coding change: c.1157A>G on transcript NM_001009999.3 (MANE Select); coding-DNA position 1157, A replaced by G.
Protein change: p.Asn386Ser; replaces asparagine 386 with serine.
Molecular consequence: missense variant.
Genome position (GRCh38, 1-based): chr1:23,059,157, A>G. VCF-style: chr1-23059157-A-G. GRCh37 (hg19) VCF-style: chr1-23385650-A-G.
Other names: c.1097A>G, p.Asn366Ser (NM_001363654.2, NM_001410763.1, NM_015013.4); c.1157A>G, p.Asn386Ser (NM_001410762.1); c.1157A>G (NM_001009999.2); short protein forms N386S, N366S.
Identifiers: ClinVar variation 3675875 (VCV003675875.4).